The following is an entry in ClinVar:

NM_001184.4(ATR):c.4702G>C (p.Asp1568His)

Gene: ATR (ATR checkpoint kinase; minus strand). Cytogenetic location: 3q23.
Variant type: single nucleotide variant.
Coding change: c.4702G>C on transcript NM_001184.4 (MANE Select); coding-DNA position 4702, G replaced by C.
Protein change: p.Asp1568His; replaces aspartic acid 1568 with histidine.
Molecular consequence: missense variant.
Genome position (GRCh38, 1-based): chr3:142,512,410, C>G on the plus strand (G>C on the coding strand, the complement: ATR is on the minus strand). VCF-style: chr3-142512410-C-G. GRCh37 (hg19) VCF-style: chr3-142231252-C-G.
Other names: c.4510G>C, p.Asp1504His (NM_001354579.2); short protein forms D1568H, D1504H.
Identifiers: ClinVar variation 2567785 (VCV002567785.2), dbSNP rs766350941, ClinGen allele CA354795613.

ClinVar aggregate classification (germline): Uncertain significance (1 of 4 stars; one submission).

Conditions:
Inborn genetic diseases. Identifiers: MedGen C0950123, MeSH D030342.

Submission:

Ambry Genetics
Classification: Uncertain significance for Inborn genetic diseases. Last evaluated: 2023-03-25. Review status: criteria provided, single submitter. Criteria: Ambry Variant Classification Scheme 2023. Collection method: clinical testing. Allele origin: germline.
Comment: The p.D1568H variant (also known as c.4702G>C), located in coding exon 27 of the ATR gene, results from a G to C substitution at nucleotide position 4702. The aspartic acid at codon 1568 is replaced by histidine, an amino acid with similar properties. This amino acid position is conserved. In addition, this alteration is predicted to be tolerated by in silico analysis. Since supporting evidence is limited at this time, the clinical significance of this alteration remains unclear.